The following is an entry in ClinVar:

ClinVar aggregate classification (germline): Uncertain significance. Review status: criteria provided, multiple submitters, no conflicts (2 of 4 stars). 3 submissions from 3 submitters: Uncertain significance (3). Last evaluated 2025-09-05.

Conditions:
Inborn genetic diseases. Identifiers: MedGen C0950123, MeSH D030342.
PIEZO1-related disorder. Also called: PIEZO1-related condition; PIEZO1-Related Disorders.

Allele frequency attached by ClinVar (database versions not stated): gnomAD 0.00004 and 0.00005; gnomAD exomes 0.00013; ExAC 0.00026; TOPMed 0.00003.
gnomAD v4.1: 136 of 1,545,986 alleles (0.0088%); highest among the groups gnomAD compares: South Asian, 0.077%; no homozygotes.

Submissions (3):

GeneDx
Classification: Uncertain significance. Last evaluated: 2025-09-05. Review status: criteria provided, single submitter. Criteria: GeneDx Variant Classification Process June 2021. Collection method: clinical testing. Allele origin: germline. Affected: yes.
Comment: In silico analysis, which includes protein predictors and evolutionary conservation, supports that this variant does not alter protein structure/function; Has not been previously published as pathogenic or benign to our knowledge; This variant is associated with the following publications: (PMID: 39833541)

PreventionGenetics, part of Exact Sciences
Classification: Uncertain significance for PIEZO1-related condition. Last evaluated: 2025-06-15. Review status: criteria provided, single submitter. Criteria: ACMG Guidelines, 2015. Collection method: clinical testing. Allele origin: germline.
Comment: The PIEZO1 c.4853G>A variant is predicted to result in the amino acid substitution p.Arg1618His. To our knowledge, this variant has not been reported in the literature. This variant is reported in 0.067% of alleles in individuals of South Asian descent in gnomAD. Although we suspect that this variant may be benign, at this time, the clinical significance of this variant is uncertain due to the absence of conclusive functional and genetic evidence.

Ambry Genetics
Classification: Uncertain significance for Inborn genetic diseases. Last evaluated: 2022-07-26. Review status: criteria provided, single submitter. Criteria: Ambry Variant Classification Scheme 2023. Collection method: clinical testing. Allele origin: germline.

NM_001142864.4(PIEZO1):c.4853G>A (p.Arg1618His)

Gene: PIEZO1 (piezo type mechanosensitive ion channel component 1 (Er blood group); minus strand). Cytogenetic location: 16q24.3.
Variant type: single nucleotide variant.
Coding change: c.4853G>A on transcript NM_001142864.4 (MANE Select); coding-DNA position 4853, G replaced by A.
Protein change: p.Arg1618His; replaces arginine 1618 with histidine.
Molecular consequence: missense variant.
Genome position (GRCh38, 1-based): chr16:88,722,320, C>T on the plus strand (G>A on the coding strand, the complement: PIEZO1 is on the minus strand). VCF-style: chr16-88722320-C-T. GRCh37 (hg19) VCF-style: chr16-88788728-C-T.
Other names: c.4853G>A (NM_001142864.3); short protein forms R1618H.
Identifiers: ClinVar variation 1218863 (VCV001218863.8), dbSNP rs752059066, ClinGen allele CA8232021.